The following is an entry in ClinVar:

NM_015178.3(RHOBTB2):c.946C>A (p.Pro316Thr)

Gene: RHOBTB2 (Rho related BTB domain containing 2; plus strand). Cytogenetic location: 8p21.3.
Variant type: single nucleotide variant.
Coding change: c.946C>A on transcript NM_015178.3 (MANE Select); coding-DNA position 946, C replaced by A.
Protein change: p.Pro316Thr; replaces proline 316 with threonine.
Molecular consequence: missense variant.
Genome position (GRCh38, 1-based): chr8:23,007,191, C>A. VCF-style: chr8-23007191-C-A. GRCh37 (hg19) VCF-style: chr8-22864704-C-A.
Other names: c.1012C>A, p.Pro338Thr (NM_001160036.2); c.967C>A, p.Pro323Thr (NM_001160037.2); c.946C>A, p.Pro316Thr (NM_001374791.1); short protein forms P323T, P316T, P338T.
Identifiers: ClinVar variation 3679070 (VCV003679070.2).

ClinVar aggregate classification (germline): Uncertain significance (1 of 4 stars; one submission).

gnomAD v4.1: 13 of 1,604,066 alleles (0.00081%); highest among the groups gnomAD compares: Non-Finnish European, 0.0011%; no homozygotes.

Submission:

Labcorp Genetics (formerly Invitae), Labcorp
Classification: Uncertain significance. Last evaluated: 2024-04-01. Review status: criteria provided, single submitter. Criteria: Invitae Variant Classification Sherloc (09022015). Collection method: clinical testing. Allele origin: germline.
Comment: This sequence change replaces proline, which is neutral and non-polar, with threonine, which is neutral and polar, at codon 338 of the RHOBTB2 protein (p.Pro338Thr). This variant is not present in population databases (gnomAD no frequency). This variant has not been reported in the literature in individuals affected with RHOBTB2-related conditions. An algorithm developed to predict the effect of missense changes on protein structure and function (PolyPhen-2) suggests that this variant is likely to be tolerated. In summary, the available evidence is currently insufficient to determine the role of this variant in disease. Therefore, it has been classified as a Variant of Uncertain Significance.